The following is an entry in ClinVar:

NM_001190274.2(FBXO11):c.1784G>A (p.Gly595Asp)

Gene: FBXO11 (F-box protein 11; minus strand). Cytogenetic location: 2p16.3.
Variant type: single nucleotide variant.
Coding change: c.1784G>A on transcript NM_001190274.2 (MANE Select); coding-DNA position 1784, G replaced by A.
Protein change: p.Gly595Asp; replaces glycine 595 with aspartic acid.
Molecular consequence: missense variant.
Genome position (GRCh38, 1-based): chr2:47,820,375, C>T on the plus strand (G>A on the coding strand, the complement: FBXO11 is on the minus strand). VCF-style: chr2-47820375-C-T. GRCh37 (hg19) VCF-style: chr2-48047514-C-T.
Other names: c.1532G>A, p.Gly511Asp (NM_001374325.1, NM_025133.4); short protein forms G511D, G595D.
Identifiers: ClinVar variation 1319282 (VCV001319282.4), dbSNP rs2104716043, ClinGen allele CA346764229.

ClinVar aggregate classification (germline): Conflicting classifications of pathogenicity. Review status: criteria provided, conflicting classifications (1 of 4 stars). 2 submissions from 2 submitters: Likely pathogenic (1); Uncertain significance (1). Last evaluated 2025-07-19.

Conditions:
Intellectual developmental disorder with dysmorphic facies and behavioral abnormalities. Identifiers: MedGen C4748135, MONDO:0060760, OMIM 618089.

Submissions (2):

3billion
Classification: Uncertain significance for Intellectual developmental disorder with dysmorphic facies and behavioral abnormalities. Last evaluated: 2025-07-19. Review status: criteria provided, single submitter. Criteria: ACMG Guidelines, 2015. Collection method: clinical testing. Allele origin: germline. Affected: yes.
Comment: The variant is not observed in the gnomAD v4.1.0 dataset. Predicted Consequence/Location: Missense variant In silico tool predictions suggest damaging effect of the variant on gene or gene product [REVEL: 0.61 (>=0.6, sensitivity 0.68 and specificity 0.92); 3Cnet: 0.87 (> 0.75, sensitivity 0.96 and precision 0.92)]. The same nucleotide change resulting in the same amino acid change has been previously reported to be associated with FBXO11-related disorder (ClinVar ID: VCV001319282). However, the evidence of pathogenicity is insufficient at this time. Different missense changes at the same codon (p.Gly595Cys, p.Gly595Ser) have been reported as pathogenic/likely pathogenic with strong evidence (ClinVar ID: VCV001679302, VCV003513903). Therefore, this variant is classified as VUS according to the recommendation of ACMG/AMP guideline.

Institute for Clinical Genetics, University Hospital TU Dresden, University Hospital TU Dresden
Classification: Likely pathogenic. Last evaluated: 2021-11-03. Review status: criteria provided, single submitter. Criteria: ACMG Guidelines, 2015. Collection method: clinical testing. Allele origin: germline.